The following is an entry in ClinVar:

ClinVar aggregate classification (germline): Uncertain significance. Review status: criteria provided, multiple submitters, no conflicts (2 of 4 stars). 2 submissions from 2 submitters: Uncertain significance (2). Last evaluated 2025-07-13.

Conditions:
Cryopyrin associated periodic syndrome (CAPS). Identifiers: Orphanet 208650, MedGen C2316212, MONDO:0016168.
Hearing loss, autosomal dominant 34, with or without inflammation. Also called: DEAFNESS, AUTOSOMAL DOMINANT 34, WITH OR WITHOUT INFLAMMATION. Identifiers: MedGen C4521680, MONDO:0033261, OMIM 617772.

Allele frequency attached by ClinVar (database versions not stated): gnomAD exomes below 0.00001.

Submissions (2):

Labcorp Genetics (formerly Invitae), Labcorp
Classification: Uncertain significance for Cryopyrin associated periodic syndrome. Last evaluated: 2025-07-13. Review status: criteria provided, single submitter. Criteria: Invitae Variant Classification Sherloc (09022015). Collection method: clinical testing. Allele origin: germline.
Comment: This sequence change replaces histidine, which is basic and polar, with tyrosine, which is neutral and polar, at codon 685 of the NLRP3 protein (p.His685Tyr). This variant is not present in population databases (gnomAD no frequency). This variant has not been reported in the literature in individuals affected with NLRP3-related conditions. ClinVar contains an entry for this variant (Variation ID: 1333763). Invitae Evidence Modeling of protein sequence and biophysical properties (such as structural, functional, and spatial information, amino acid conservation, physicochemical variation, residue mobility, and thermodynamic stability) indicates that this missense variant is not expected to disrupt NLRP3 protein function with a negative predictive value of 95%. In summary, the available evidence is currently insufficient to determine the role of this variant in disease. Therefore, it has been classified as a Variant of Uncertain Significance.

CENTOGENE GmbH and LLC - Guiding Precision Medicine
Classification: Uncertain significance for Hearing loss, autosomal dominant 34, with or without inflammation. Last evaluated: 2021-04-23. Review status: criteria provided, single submitter. Criteria: ACMG Guidelines, 2015. Collection method: clinical testing. Allele origin: germline. Affected: yes.

NM_001243133.2(NLRP3):c.2047C>T (p.His683Tyr)

Gene: NLRP3 (NLR family pyrin domain containing 3; plus strand). Cytogenetic location: 1q44.
Variant type: single nucleotide variant.
Coding change: c.2047C>T on transcript NM_001243133.2 (MANE Select); coding-DNA position 2047, C replaced by T.
Protein change: p.His683Tyr; replaces histidine 683 with tyrosine.
Molecular consequence: missense variant.
Genome position (GRCh38, 1-based): chr1:247,425,496, C>T. VCF-style: chr1-247425496-C-T. GRCh37 (hg19) VCF-style: chr1-247588798-C-T.
Other names: c.2047C>T, p.His683Tyr (NM_001079821.3, NM_001127461.3, NM_001127462.3 and 1 more transcripts); c.2053C>T, p.His685Tyr (NM_004895.5); short protein forms H683Y, H685Y.
Identifiers: ClinVar variation 1333763 (VCV001333763.2), dbSNP rs2103113675, ClinGen allele CA345558541.